The following is an entry in ClinVar:

NM_004360.5(CDH1):c.485_486delinsTA (p.Ser162Ile)

Gene: CDH1 (cadherin 1; plus strand). Cytogenetic location: 16q22.1.
Variant type: Indel.
Coding change: c.485_486delinsTA on transcript NM_004360.5 (MANE Select); coding-DNA positions 485 to 486, GC replaced by TA.
Protein change: p.Ser162Ile; replaces serine 162 with isoleucine.
Molecular consequence: missense variant. On other transcripts: 5 prime UTR variant (2).
Genome position (GRCh38, 1-based): chr16:68,808,521-68,808,522, GC replaced by TA. VCF-style: chr16-68808521-GC-TA. GRCh37 (hg19) VCF-style: chr16-68842424-GC-TA.
Other names: c.485_486delinsTA, p.Ser162Ile (NM_001317184.2); c.-1131_-1130delinsTA (NM_001317185.2); c.-1335_-1334delinsTA (NM_001317186.2); short protein forms S162I.
Identifiers: ClinVar variation 4526010 (VCV004526010.1).

ClinVar aggregate classification (germline): Uncertain significance (1 of 4 stars; one submission).

Submission:

Women's Health and Genetics/Laboratory Corporation of America, LabCorp
Classification: Uncertain significance. Last evaluated: 2025-07-10. Review status: criteria provided, single submitter. Criteria: LabCorp Variant Classification Summary - May 2015. Collection method: clinical testing. Allele origin: germline.
Comment: Variant summary: CDH1 c.485_486delinsTA (p.Ser162Ile) results in a non-conservative amino acid change in the encoded protein sequence. Algorithms developed to predict the effect of missense changes on protein structure and function are either unavailable or do not agree on the potential impact of this missense change. The variant was absent in 251394 control chromosomes. The available data on variant occurrences in the general population are insufficient to allow any conclusion about variant significance. To our knowledge, no occurrence of c.485_486delinsTA in individuals affected with Hereditary Diffuse Gastric Cancer and no experimental evidence demonstrating its impact on protein function have been reported. No submitters have cited clinical-significance assessments for this variant to ClinVar. Based on the evidence outlined above, the variant was classified as uncertain significance.